The following is an entry in ClinVar:

ClinVar aggregate classification (germline): Likely pathogenic (1 of 4 stars; one submission).

Conditions:
SPG21-related disorder. Also called: SPG21-related condition.

Submission:

PreventionGenetics, part of Exact Sciences
Classification: Likely pathogenic for SPG21-related condition. Last evaluated: 2026-08-10. Review status: criteria provided, single submitter. Criteria: ACMG Guidelines, 2015. Collection method: clinical testing. Allele origin: germline.
Comment: The SPG21 c.152_153delCT variant is predicted to result in a frameshift and premature protein termination (p.Pro51Argfs*38). To our knowledge, this variant has not been reported in the literature. This variant is reported in 0.0065% of alleles in individuals of South Asian descent in gnomAD. Frameshift variants in SPG21 are expected to be pathogenic. This variant is interpreted as likely pathogenic.

NM_016630.7(SPG21):c.152_153del (p.Pro51fs)

Gene: SPG21 (SPG21 abhydrolase domain containing, maspardin; minus strand). Cytogenetic location: 15q22.31.
Variant type: Deletion.
Coding change: c.152_153del on transcript NM_016630.7 (MANE Select); coding-DNA positions 152 to 153, 2 bases deleted (CT; older notation c.152_153delCT).
Protein change: p.Pro51fs; shifts the reading frame from proline 51.
Molecular consequence: frameshift variant.
Genome position (GRCh38, 1-based): chr15:64,980,936-64,980,937, AG deleted on the plus strand (CT on the coding strand, the reverse complement: SPG21 is on the minus strand). VCF-style (leftmost placement, unchanged base first): chr15-64980935-CAG-C. GRCh37 (hg19) VCF-style: chr15-65273273-CAG-C.
Other names: c.152_153del, p.Pro51fs (NM_001127889.5, NM_001127890.5); short protein forms P51fs.
Identifiers: ClinVar variation 4992983 (VCV004992983.1).